The following is an entry in ClinVar:

ClinVar aggregate classification (germline): Pathogenic (1 of 4 stars; one submission).

Conditions:
Hereditary breast ovarian cancer syndrome. Also called: Hereditary breast and ovarian cancer syndrome; Hereditary breast and/or ovarian cancer syndrome; BRCA1- and BRCA2-Associated Hereditary Breast and Ovarian Cancer; Hereditary breast and ovarian cancer; Breast and ovarian cancer; Hereditary breast and ovarian cancer syndrome (HBOC). Identifiers: Orphanet 145, MedGen C0677776, MeSH D061325, MONDO:0003582. Disease mechanism: loss of function.

Submission:

Labcorp Genetics (formerly Invitae), Labcorp
Classification: Pathogenic for Hereditary breast ovarian cancer syndrome. Last evaluated: 2023-10-08. Review status: criteria provided, single submitter. Criteria: Invitae Variant Classification Sherloc (09022015). Collection method: clinical testing. Allele origin: germline.
Comment: This sequence change creates a premature translational stop signal (p.Thr1150Ilefs*3) in the BRCA2 gene. It is expected to result in an absent or disrupted protein product. Loss-of-function variants in BRCA2 are known to be pathogenic (PMID: 20104584). This variant is not present in population databases (gnomAD no frequency). This variant has not been reported in the literature in individuals affected with BRCA2-related conditions. For these reasons, this variant has been classified as Pathogenic.

Literature cited by the submitters: PubMed 20104584.

NM_000059.4(BRCA2):c.3449del (p.Thr1150fs)

Gene: BRCA2 (BRCA2 DNA repair associated; plus strand). Cytogenetic location: 13q13.1.
Variant type: Deletion.
Coding change: c.3449del on transcript NM_000059.4 (MANE Select); coding-DNA position 3449, one base deleted (C; older notation c.3449delC).
Protein change: p.Thr1150fs; shifts the reading frame from threonine 1150.
Molecular consequence: frameshift variant. On other transcripts: non-coding transcript variant (1), intron variant (2).
Genome position (GRCh38, 1-based): chr13:32,337,804, C deleted. VCF-style (leftmost placement, unchanged base first): chr13-32337803-AC-A. GRCh37 (hg19) VCF-style: chr13-32911940-AC-A.
Other names: c.3449del, p.Thr1150fs (NM_001406719.1, NM_001406720.1); c.1909+4417del (NM_001406721.1); c.425-6754del (NM_001406722.1); short protein forms T1150fs.
Identifiers: ClinVar variation 2766818 (VCV002766818.3), dbSNP rs2548525982, ClinGen allele CA2697551773.